The following is an entry in ClinVar:

ClinVar aggregate classification (germline): Conflicting classifications of pathogenicity. Review status: criteria provided, conflicting classifications (1 of 4 stars). 3 submissions from 3 submitters: Uncertain significance (2); Likely benign (1). Last evaluated 2026-05-01.

Conditions:
Cardiovascular phenotype. Identifiers: MedGen CN230736.
Telangiectasia, hereditary hemorrhagic, type 2 (HHT2). Also called: Telangiectasia, hereditary hemorrhagic, type II; ACVRL1-Related Hereditary Hemorrhagic Telangiectasia. Identifiers: Orphanet 774, MedGen C1838163, MONDO:0010880, OMIM 600376. Disease mechanism: loss of function.

Allele frequency attached by ClinVar (database versions not stated): gnomAD exomes 0.00001.

Submissions (3):

Ambry Genetics
Classification: Uncertain significance for Cardiovascular phenotype. Last evaluated: 2026-05-01. Review status: criteria provided, single submitter. Criteria: Ambry Variant Classification Scheme 2023. Collection method: clinical testing. Allele origin: germline.
Comment: The c.495A>G variant (also known as p.K165K), located in coding exon 3 of the ACVRL1 gene, results from an A to G substitution at nucleotide position 495. This nucleotide substitution does not change the lysine at codon 165. This nucleotide position is poorly conserved in available vertebrate species. In silico splice site analysis for this alteration is inconclusive. Based on the available evidence, the clinical significance of this variant remains unclear.

Labcorp Genetics (formerly Invitae), Labcorp
Classification: Likely benign for Telangiectasia, hereditary hemorrhagic, type 2. Last evaluated: 2024-08-28. Review status: criteria provided, single submitter. Criteria: Invitae Variant Classification Sherloc (09022015). Collection method: clinical testing. Allele origin: germline.

Fulgent Genetics
Classification: Uncertain significance for Telangiectasia, hereditary hemorrhagic, type 2. Last evaluated: 2024-01-28. Review status: criteria provided, single submitter. Criteria: ACMG Guidelines, 2015. Collection method: clinical testing. Allele origin: germline.

NM_000020.3(ACVRL1):c.495A>G (p.Lys165=)

Gene: ACVRL1 (activin A receptor like type 1; plus strand). Cytogenetic location: 12q13.13.
Variant type: single nucleotide variant.
Coding change: c.495A>G on transcript NM_000020.3 (MANE Select); coding-DNA position 495, A replaced by G.
Protein change: p.Lys165=; no amino-acid change (lysine 165 retained).
Molecular consequence: synonymous variant. On other transcripts: intron variant (6).
Genome position (GRCh38, 1-based): chr12:51,913,740, A>G. VCF-style: chr12-51913740-A-G. GRCh37 (hg19) VCF-style: chr12-52307524-A-G.
Other names: c.495A>G, p.Lys165= (NM_001077401.2, NM_001406487.1, NM_001406488.1 and 1 more transcripts); c.313+390A>G (NM_001406491.1, NM_001406490.1, NM_001406492.1 and 2 more transcripts); c.62-699A>G (NM_001406495.1).
Identifiers: ClinVar variation 2733553 (VCV002733553.5), dbSNP rs2540160931, ClinGen allele CA479805254.